The following is an entry in ClinVar:

NM_015474.4(SAMHD1):c.23A>G (p.Gln8Arg)

Gene: SAMHD1 (SAM and HD domain containing deoxynucleoside triphosphate triphosphohydrolase 1; minus strand). Cytogenetic location: 20q11.23.
Variant type: single nucleotide variant.
Coding change: c.23A>G on transcript NM_015474.4 (MANE Select); coding-DNA position 23, A replaced by G.
Protein change: p.Gln8Arg; replaces glutamine 8 with arginine.
Molecular consequence: missense variant.
Genome position (GRCh38, 1-based): chr20:36,951,621, T>C on the plus strand (A>G on the coding strand, the complement: SAMHD1 is on the minus strand). VCF-style: chr20-36951621-T-C. GRCh37 (hg19) VCF-style: chr20-35580024-T-C.
Other names: c.23A>G, p.Gln8Arg (NM_001363729.2, NM_001363733.2); short protein forms Q8R.
Identifiers: ClinVar variation 1467698 (VCV001467698.8), dbSNP rs149797357, ClinGen allele CA9844849.
Genomic context (GRCh38, chr20:36,951,621, plus strand): 5'-GCGGAAGGGGTGTTTGAGGGGGTTCTCGGGCTGTCATCGCAACGGGGACGCTTGGAGGGC[T>C]GCTCGGAATCGGCTCGCTGCATGGCTACACCTGGCGTCCGGCACAGCAGTCAAGAACCTC-3'
Protein context (NP_056289.2, residues 1-18): MQRADSE[Gln8Arg]PSKRPRCDDS

ClinVar aggregate classification (germline): Uncertain significance (1 of 4 stars; one submission).

Conditions:
Aicardi-Goutieres syndrome 5. Identifiers: Orphanet 51, MedGen C2749659, MONDO:0013059, OMIM 612952.

Allele frequency attached by ClinVar (database versions not stated): gnomAD exomes below 0.00001; ExAC 0.00001; ESP Exome Variant Server 0.00008.

Submission:

Labcorp Genetics (formerly Invitae), Labcorp
Classification: Uncertain significance for Aicardi-Goutieres syndrome 5. Last evaluated: 2023-12-11. Review status: criteria provided, single submitter. Criteria: Invitae Variant Classification Sherloc (09022015). Collection method: clinical testing. Allele origin: germline.
Comment: This sequence change replaces glutamine, which is neutral and polar, with arginine, which is basic and polar, at codon 8 of the SAMHD1 protein (p.Gln8Arg). This variant is not present in population databases (gnomAD no frequency). This variant has not been reported in the literature in individuals affected with SAMHD1-related conditions. ClinVar contains an entry for this variant (Variation ID: 1467698). Algorithms developed to predict the effect of missense changes on protein structure and function output the following: SIFT: "Not Available"; PolyPhen-2: "Benign"; Align-GVGD: "Not Available". The arginine amino acid residue is found in multiple mammalian species, which suggests that this missense change does not adversely affect protein function. In summary, the available evidence is currently insufficient to determine the role of this variant in disease. Therefore, it has been classified as a Variant of Uncertain Significance.